The following is an entry in ClinVar:

NM_007052.5(NOX1):c.1367A>C (p.Glu456Ala)

Gene: NOX1 (NADPH oxidase 1; minus strand). Cytogenetic location: Xq22.1.
Variant type: single nucleotide variant.
Coding change: c.1367A>C on transcript NM_007052.5 (MANE Select); coding-DNA position 1367, A replaced by C.
Protein change: p.Glu456Ala; replaces glutamic acid 456 with alanine.
Molecular consequence: missense variant. On other transcripts: intron variant (1).
Genome position (GRCh38, 1-based): chrX:100,849,356, T>G on the plus strand (A>C on the coding strand, the complement: NOX1 is on the minus strand). VCF-style: chrX-100849356-T-G. GRCh37 (hg19) VCF-style: chrX-100104345-T-G.
Other names: c.1256A>C, p.Glu419Ala (NM_001271815.2); c.1296+416A>C (NM_013955.3); short protein forms E419A, E456A.
Identifiers: ClinVar variation 1698126 (VCV001698126.2), dbSNP rs2147903631, ClinGen allele CA414018192.

ClinVar aggregate classification (germline): Uncertain significance (1 of 4 stars; one submission).

gnomAD v4.1: 11 of 1,210,808 alleles (0.00091%); highest among the groups gnomAD compares: Non-Finnish European, 0.0012%; no homozygotes.

Submission:

GeneDx
Classification: Uncertain significance. Last evaluated: 2022-01-19. Review status: criteria provided, single submitter. Criteria: GeneDx Variant Classification Process June 2021. Collection method: clinical testing. Allele origin: germline. Affected: yes.
Comment: Not observed at significant frequency in large population cohorts (gnomAD); In silico analysis supports that this missense variant has a deleterious effect on protein structure/function; Has not been previously published as pathogenic or benign to our knowledge